The following is an entry in ClinVar:

NM_001267550.2(TTN):c.11312-4872A>G

Gene: TTN (titin; minus strand). Cytogenetic location: 2q31.2.
Variant type: single nucleotide variant.
Coding change: c.11312-4872A>G on transcript NM_001267550.2 (MANE Select); 4872 bases into the intron before coding-DNA position 11312, A replaced by G.
Molecular consequence: intron variant. On other transcripts: missense variant (1).
Genome position (GRCh38, 1-based): chr2:178,746,793, T>C on the plus strand (A>G on the coding strand, the complement: TTN is on the minus strand). VCF-style: chr2-178746793-T-C. GRCh37 (hg19) VCF-style: chr2-179611520-T-C.
Other names: c.15607A>G, p.Ile5203Val (NM_133379.5); c.10223-4872A>G (NM_003319.4); c.10799-4872A>G (NM_133437.4); c.10598-4872A>G (NM_133432.3); c.10360+6331A>G (NM_133378.4); c.10361-4872A>G (NM_001256850.1); short protein forms I5203V.
Identifiers: ClinVar variation 3393764 (VCV003393764.1).

ClinVar aggregate classification (germline): Uncertain significance (1 of 4 stars; one submission).

gnomAD v4.1: 4 of 1,613,396 alleles (0.00025%); highest among the groups gnomAD compares: Non-Finnish European, 0.00034%; no homozygotes.

Submission:

GeneDx
Classification: Uncertain significance. Last evaluated: 2024-07-03. Review status: criteria provided, single submitter. Criteria: GeneDx Variant Classification Process June 2021. Collection method: clinical testing. Allele origin: germline. Affected: yes.
Comment: Not observed at significant frequency in large population cohorts (gnomAD); Has not been previously published as pathogenic or benign to our knowledge